The following is an entry in ClinVar:

ClinVar aggregate classification (germline): Likely pathogenic (1 of 4 stars; one submission).

Conditions:
Hereditary pheochromocytoma and paraganglioma. Also called: Hereditary pheochromocytoma-paraganglioma; Hereditary Paraganglioma-Pheochromocytoma Syndromes; Hereditary paragangliomas and pheochromocytomas. Identifiers: Orphanet 29072, MedGen C4274332, MONDO:0017366.

Submission:

Labcorp Genetics (formerly Invitae), Labcorp
Classification: Likely pathogenic for Hereditary pheochromocytoma and paraganglioma. Last evaluated: 2019-07-04. Review status: criteria provided, single submitter. Criteria: Invitae Variant Classification Sherloc (09022015). Collection method: clinical testing. Allele origin: germline.
Comment: This variant disrupts the C-terminus of the TMEM127 protein. Other variant(s) that disrupt this region (c.532dup, c.543_555dup, c.572del) have been observed in individuals with TMEM127-related conditions (PMID: 26960314, 28855235, 28384794). This suggests that this may be a clinically significant region of the protein. In summary, the currently available evidence indicates that the variant is pathogenic, but additional data are needed to prove that conclusively. Therefore, this variant has been classified as Likely Pathogenic. This variant has been observed in an individual affected with head and neck paraganglioma (PMID: 23666964). This variant is not present in population databases (ExAC no frequency). This sequence change results in a frameshift in the TMEM127 gene (p.Val171Glyfs*137). While this is not anticipated to result in nonsense mediated decay, it is expected to disrupt the last 68 amino acids of the TMEM127 protein and extend the protein by an additional 68 amino acids.

Literature cited by the submitters: PubMed 26960314; PubMed 28855235; PubMed 28384794; PubMed 23666964.

NM_017849.4(TMEM127):c.512delinsGCC (p.Val171fs)

Gene: TMEM127 (transmembrane protein 127; minus strand). Cytogenetic location: 2q11.2.
Variant type: Indel.
Coding change: c.512delinsGCC on transcript NM_017849.4 (MANE Select); coding-DNA position 512, T replaced by GCC.
Protein change: p.Val171fs; shifts the reading frame from valine 171.
Molecular consequence: frameshift variant.
Genome position (GRCh38, 1-based): chr2:96,254,013, A replaced by GGC on the plus strand (T replaced by GCC on the coding strand, the reverse complement: TMEM127 is on the minus strand). VCF-style: chr2-96254013-A-GGC. GRCh37 (hg19) VCF-style: chr2-96919751-A-GGC.
Other names: c.512delinsGCC, p.Val171fs (NM_001193304.3); short protein forms V171fs.
Identifiers: ClinVar variation 970710 (VCV000970710.6), dbSNP rs1684149620, ClinGen allele CA1139655616.